The following is an entry in ClinVar:

NM_014413.4(EIF2AK1):c.1871dup (p.Asp626fs)

Gene: EIF2AK1 (eukaryotic translation initiation factor 2 alpha kinase 1; minus strand). Cytogenetic location: 7p22.1.
Variant type: Duplication.
Coding change: c.1871dup on transcript NM_014413.4 (MANE Select); coding-DNA position 1871, one base duplicated (G; older notation c.1871dupG).
Protein change: p.Asp626fs; shifts the reading frame from aspartic acid 626.
Molecular consequence: frameshift variant.
Genome position (GRCh38, 1-based): chr7:6,024,695, C duplicated on the plus strand (G on the coding strand, the reverse complement: EIF2AK1 is on the minus strand); the first of 2 consecutive C bases (chr7:6,024,695-6,024,696); duplicating either gives the same sequence. VCF-style (leftmost placement, unchanged base first): chr7-6024694-T-TC. GRCh37 (hg19) VCF-style: chr7-6064325-T-TC.
Other names: c.1868dup, p.Asp625fs (NM_001134335.2); short protein forms D625fs, D626fs.
Identifiers: ClinVar variation 4738235 (VCV004738235.1).

ClinVar aggregate classification (germline): Uncertain significance (1 of 4 stars; one submission).

Submission:

Labcorp Genetics (formerly Invitae), Labcorp
Classification: Uncertain significance. Last evaluated: 2025-07-09. Review status: criteria provided, single submitter. Criteria: Invitae Variant Classification Sherloc (09022015). Collection method: clinical testing. Allele origin: germline.
Comment: This sequence change creates a premature translational stop signal (p.Asp626Glyfs*22) in the EIF2AK1 gene. While this is not anticipated to result in nonsense mediated decay, it is expected to disrupt the last 5 amino acid(s) of the EIF2AK1 protein. This variant is present in population databases (rs778465674, gnomAD 0.0009%). This variant has not been reported in the literature in individuals affected with EIF2AK1-related conditions. Experimental studies and prediction algorithms are not available or were not evaluated, and the functional significance of this variant is currently unknown. In summary, the available evidence is currently insufficient to determine the role of this variant in disease. Therefore, it has been classified as a Variant of Uncertain Significance.